The following is an entry in ClinVar:

ClinVar aggregate classification (germline): Conflicting classifications of pathogenicity. Review status: criteria provided, conflicting classifications (1 of 4 stars). 8 submissions from 8 submitters: Uncertain significance (1); Benign (3); Likely benign (3). 1 of the submissions does not count toward it. Last evaluated 2026-09-01.

Conditions:
Fanconi anemia (FA). Also called: Fanconi's anemia. Identifiers: Orphanet 84, MedGen C0015625, MeSH D005199, MONDO:0019391.
Fanconi anemia complementation group G. Also called: Fanconi anemia group G; FANCG-Related Fanconi Anemia. Identifiers: Orphanet 84, MedGen C3469527, MONDO:0013565, OMIM 614082.

Allele frequency attached by ClinVar (database versions not stated): ESP Exome Variant Server 0.00123; gnomAD 0.00138 and 0.00173; TOPMed 0.00162; gnomAD exomes 0.00179 and 0.00339; 1000 Genomes Project 30x 0.00297; ExAC 0.00298; 1000 Genomes Project 0.00300.
gnomAD v4.1: 3,063 of 1,614,128 alleles (0.19%); highest among the groups gnomAD compares: Middle Eastern, 0.99%; 37 homozygotes.

Submissions (8):

CeGaT Center for Human Genetics Tuebingen
Classification: Likely benign. Last evaluated: 2026-09-01. Review status: criteria provided, single submitter. Criteria: CeGaT Center For Human Genetics Tuebingen Variant Classification Criteria Version 2. Collection method: clinical testing. Allele origin: germline. Affected: yes. Observed: 26 variant alleles.
Comment: FANCG: BP4, BS2

Labcorp Genetics (formerly Invitae), Labcorp
Classification: Benign for Fanconi anemia. Last evaluated: 2026-02-02. Review status: criteria provided, single submitter. Criteria: Invitae Variant Classification Sherloc (09022015). Collection method: clinical testing. Allele origin: germline.

Blueprint Genetics
Classification: Likely benign. Last evaluated: 2024-11-25. Review status: criteria provided, single submitter. Criteria: ACMG Guidelines, 2015. Collection method: clinical testing. Allele origin: germline.

KCCC/NGS Laboratory, Kuwait Cancer Control Center
Classification: Benign for Fanconi anemia complementation group G. Last evaluated: 2023-07-07. Review status: criteria provided, single submitter. Criteria: ACMG Guidelines, 2015. Collection method: clinical testing. Allele origin: germline. Affected: yes.

Genome-Nilou Lab
Classification: Likely benign for Fanconi anemia complementation group G. Last evaluated: 2021-05-18. Review status: criteria provided, single submitter. Criteria: ACMG Guidelines, 2015. Collection method: clinical testing. Allele origin: germline. Affected: no.

Genetic Services Laboratory, University of Chicago
Classification: Benign. Last evaluated: 2018-09-27. Review status: criteria provided, single submitter. Criteria: ACMG Guidelines, 2015. Collection method: clinical testing. Allele origin: germline. Affected: no.

Illumina Laboratory Services, Illumina
Classification: Uncertain significance for Fanconi anemia complementation group G. Last evaluated: 2017-04-27. Review status: criteria provided, single submitter. Criteria: ICSL Variant Classification Criteria 13 December 2019. Collection method: clinical testing. Allele origin: germline.

ITMI
No classification provided. Condition: AllHighlyPenetrant. Last evaluated: 2013-09-19. Review status: no classification provided. Collection method: reference population. Allele origin: germline. Not counted in ClinVar's aggregate classification.
Comment: Please see associated publication for description of ethnicities

Literature cited by the submitters: PubMed 24728327 (cited by ITMI).

NM_004629.2(FANCG):c.20C>T (p.Ser7Phe)

Gene: FANCG (FA complementation group G; minus strand). Cytogenetic location: 9p13.3.
Variant type: single nucleotide variant.
Coding change: c.20C>T on transcript NM_004629.2 (MANE Select); coding-DNA position 20, C replaced by T.
Protein change: p.Ser7Phe; replaces serine 7 with phenylalanine.
Molecular consequence: missense variant.
Genome position (GRCh38, 1-based): chr9:35,079,505, G>A on the plus strand (C>T on the coding strand, the complement: FANCG is on the minus strand). VCF-style: chr9-35079505-G-A. GRCh37 (hg19) VCF-style: chr9-35079502-G-A.
Other names: short protein forms S7F.
Identifiers: ClinVar variation 134358 (VCV000134358.57), dbSNP rs35984312, ClinGen allele CA159593.